The following is an entry in ClinVar:

ClinVar aggregate classification (germline): Likely benign. Review status: criteria provided, multiple submitters, no conflicts (2 of 4 stars). 8 submissions from 8 submitters: Likely benign (8). Last evaluated 2026-08-13.

Conditions:
Inborn genetic diseases. Identifiers: MedGen C0950123, MeSH D030342.
KCNJ10-related disorder. Also called: KCNJ10-related disorders; KCNJ10-related condition. Identifiers: MedGen CN239321.
Autosomal recessive nonsyndromic hearing loss 4 (DFNB4). Also called: Enlarged vestibular aqueduct, digenic; FOXI1-Related Pendred Syndrome; KCNJ10-Related Pendred Syndrome; NEUROSENSORY NONSYNDROMIC RECESSIVE DEAFNESS 4; DEAFNESS, AUTOSOMAL RECESSIVE 4, WITH ENLARGED VESTIBULAR AQUEDUCT, DIGENIC; Nonsyndromic enlarged vestibular aqueduct (NSEVA). Identifiers: Orphanet 90636, MedGen C3538946, MONDO:0010933, OMIM 600791.
EAST syndrome (SESAMES). Also called: SEIZURES, SENSORINEURAL DEAFNESS, ATAXIA, IMPAIRED INTELLECTUAL DEVELOPMENT, AND ELECTROLYTE IMBALANCE. Identifiers: Orphanet 199343, MedGen C2748572, MONDO:0013005, OMIM 612780.
Pendred syndrome (PDS). Also called: GOITER-DEAFNESS SYNDROME; HYPOTHYROIDISM, CONGENITAL, DUE TO DYSHORMONOGENESIS, 2B; THYROID DYSHORMONOGENESIS 2B; THYROID HORMONOGENESIS, GENETIC DEFECT IN, 2B; DEAFNESS WITH GOITER; Pendred's syndrome. Identifiers: Orphanet 705, MedGen C0271829, MONDO:0010134, OMIM 274600.

Allele frequency attached by ClinVar (database versions not stated): gnomAD 0.00007 and 0.00008; gnomAD exomes 0.00007 and 0.00005; TOPMed 0.00009; ESP Exome Variant Server 0.00015; 1000 Genomes Project 30x 0.00016; 1000 Genomes Project 0.00020; ExAC 0.00005.
gnomAD v4.1: 91 of 1,614,200 alleles (0.0056%); highest among the groups gnomAD compares: Admixed American, 0.017%; no homozygotes.

Submissions (8):

PreventionGenetics, part of Exact Sciences
Classification: Likely benign for KCNJ10-related condition. Last evaluated: 2026-08-13. Review status: criteria provided, single submitter. Criteria: ACMG Guidelines, 2015. Collection method: clinical testing. Allele origin: germline.
Comment: This variant is classified as likely benign based on ACMG/AMP sequence variant interpretation guidelines (Richards et al. 2015 PMID: 25741868, with internal and published modifications).

Labcorp Genetics (formerly Invitae), Labcorp
Classification: Likely benign for EAST syndrome. Last evaluated: 2025-08-17. Review status: criteria provided, single submitter. Criteria: Invitae Variant Classification Sherloc (09022015). Collection method: clinical testing. Allele origin: germline.

Blueprint Genetics
Classification: Likely benign. Last evaluated: 2024-10-03. Review status: criteria provided, single submitter. Criteria: ACMG Guidelines, 2015. Collection method: clinical testing. Allele origin: germline.

Fulgent Genetics
Classification: Likely benign for Pendred syndrome; Autosomal recessive nonsyndromic hearing loss 4; EAST syndrome. Last evaluated: 2022-02-02. Review status: criteria provided, single submitter. Criteria: ACMG Guidelines, 2015. Collection method: clinical testing. Allele origin: unknown.

GeneDx
Classification: Likely benign. Last evaluated: 2020-06-25. Review status: criteria provided, single submitter. Criteria: GeneDx Variant Classification Process June 2021. Collection method: clinical testing. Allele origin: germline. Affected: yes.

Genetic Services Laboratory, University of Chicago
Classification: Likely benign. Last evaluated: 2017-12-13. Review status: criteria provided, single submitter. Criteria: ACMG Guidelines, 2015. Collection method: clinical testing. Allele origin: germline. Affected: no.

Athena Diagnostics
Classification: Likely benign. Last evaluated: 2017-12-06. Review status: criteria provided, single submitter. Criteria: Athena Diagnostics Criteria. Collection method: clinical testing. Allele origin: germline.

Ambry Genetics
Classification: Likely benign for Inborn genetic diseases. Last evaluated: 2017-03-24. Review status: criteria provided, single submitter. Criteria: Ambry Variant Classification Scheme 2023. Collection method: clinical testing. Allele origin: germline.

NM_002241.5(KCNJ10):c.114C>T (p.Asn38=)

Gene: KCNJ10 (potassium inwardly rectifying channel subfamily J member 10; minus strand). Cytogenetic location: 1q23.2.
Variant type: single nucleotide variant.
Coding change: c.114C>T on transcript NM_002241.5 (MANE Select); coding-DNA position 114, C replaced by T.
Protein change: p.Asn38=; no amino-acid change (asparagine 38 retained).
Molecular consequence: synonymous variant.
Genome position (GRCh38, 1-based): chr1:160,042,419, G>A on the plus strand (C>T on the coding strand, the complement: KCNJ10 is on the minus strand). VCF-style: chr1-160042419-G-A. GRCh37 (hg19) VCF-style: chr1-160012209-G-A.
Identifiers: ClinVar variation 447633 (VCV000447633.24), dbSNP rs151068619, ClinGen allele CA1193294.